The following is an entry in ClinVar:

NM_001164508.2(NEB):c.11087C>G (p.Thr3696Ser)

Gene: NEB (nebulin; minus strand). Cytogenetic location: 2q23.3.
Variant type: single nucleotide variant.
Coding change: c.11087C>G on transcript NM_001164508.2 (MANE Select); coding-DNA position 11087, C replaced by G.
Protein change: p.Thr3696Ser; replaces threonine 3696 with serine.
Molecular consequence: missense variant.
Genome position (GRCh38, 1-based): chr2:151,617,458, G>C on the plus strand (C>G on the coding strand, the complement: NEB is on the minus strand). VCF-style: chr2-151617458-G-C. GRCh37 (hg19) VCF-style: chr2-152473972-G-C.
Other names: p.Thr3696Ser; c.11087C>G, p.Thr3696Ser (NM_001164507.2, NM_001271208.2); c.10358C>G, p.Thr3453Ser (NM_004543.5); short protein forms T3696S, T3453S.
Identifiers: ClinVar variation 4540684 (VCV004540684.1).

ClinVar aggregate classification (germline): Uncertain significance (1 of 4 stars; one submission).

Submission:

Mayo Clinic Laboratories, Mayo Clinic
Classification: Uncertain significance. Last evaluated: 2025-07-16. Review status: criteria provided, single submitter. Criteria: ACMG Guidelines, 2015. Collection method: clinical testing. Allele origin: germline. Observed: 1 variant allele.
Comment: BP4